The following is an entry in ClinVar:

NM_004115.4(FGF14):c.276T>C (p.Asp92=)

Gene: FGF14 (fibroblast growth factor 14; minus strand). Cytogenetic location: 13q33.1.
Variant type: single nucleotide variant.
Coding change: c.276T>C on transcript NM_004115.4 (MANE Select); coding-DNA position 276, T replaced by C.
Protein change: p.Asp92=; no amino-acid change (aspartic acid 92 retained).
Molecular consequence: synonymous variant. On other transcripts: intron variant (1).
Genome position (GRCh38, 1-based): chr13:101,875,214, A>G on the plus strand (T>C on the coding strand, the complement: FGF14 is on the minus strand). VCF-style: chr13-101875214-A-G. GRCh37 (hg19) VCF-style: chr13-102527564-A-G.
Other names: p.Asp92=; c.87T>C, p.Asp29= (NM_001321932.1, NM_001321936.1, NM_001321944.1); c.96T>C, p.Asp32= (NM_001321933.1, NM_001321938.2, NM_001321940.1); c.24T>C, p.Asp8= (NM_001321934.1, NM_001321935.1, NM_001321942.1 and 4 more transcripts); c.291T>C, p.Asp97= (NM_001321937.2, NM_175929.3); c.90T>C, p.Asp30= (NM_001321941.2); c.174T>C, p.Asp58= (NM_001321945.2, NM_001321948.2, NM_001379342.1); c.135T>C, p.Asp45= (NM_001321947.2); and 1 more.
Identifiers: ClinVar variation 4619897 (VCV004619897.2).

ClinVar aggregate classification (germline): Likely benign. Review status: criteria provided, multiple submitters, no conflicts (2 of 4 stars). 2 submissions from 2 submitters: Likely benign (2). Last evaluated 2025-11-12.

Conditions:
Inborn genetic diseases. Identifiers: MedGen C0950123, MeSH D030342.

gnomAD v4.1: 53 of 1,613,330 alleles (0.0033%); highest among the groups gnomAD compares: Non-Finnish European, 0.0042%; no homozygotes.

Submissions (2):

Ambry Genetics
Classification: Likely benign for Inborn genetic diseases. Last evaluated: 2025-11-12. Review status: criteria provided, single submitter. Criteria: Ambry Variant Classification Scheme 2023. Collection method: clinical testing. Allele origin: germline.

Mayo Clinic Laboratories, Mayo Clinic
Classification: Likely benign. Last evaluated: 2025-05-22. Review status: criteria provided, single submitter. Criteria: ACMG Guidelines, 2015. Collection method: clinical testing. Allele origin: germline. Observed: 1 variant allele.
Comment: BP4, BP7

Literature cited by the submitters: PubMed 33057194 (cited by Mayo Clinic Laboratories, Mayo Clinic); PubMed 35982159 (cited by Mayo Clinic Laboratories, Mayo Clinic).